The following is an entry in ClinVar:

ClinVar aggregate classification (germline): Benign. Review status: criteria provided, multiple submitters, no conflicts (2 of 4 stars). 2 submissions from 2 submitters: Benign (2). Last evaluated 2018-01-13.

Conditions:
Maturity-onset diabetes of the young (MODY). Also called: Maturity onset diabetes mellitus in young. Identifiers: Orphanet 552, MedGen C0342276, MONDO:0018911, HP:0004904.
Maturity-onset diabetes of the young type 3. Also called: MODY, type III; MODY type 3. Identifiers: Orphanet 552, MedGen C1838100, MeSH C563933, MONDO:0010894, OMIM 600496. Disease mechanism: loss of function.

Allele frequency attached by ClinVar (database versions not stated): TOPMed 0.00045; gnomAD 0.00054; gnomAD exomes 0.00079; ExAC 0.00151.
gnomAD v4.1: 346 of 525,200 alleles (0.066%); highest among the groups gnomAD compares: Non-Finnish European, 0.066%; no homozygotes.

Submissions (2):

Illumina Laboratory Services, Illumina
Classification: Benign for Maturity-onset diabetes of the young type 3. Last evaluated: 2018-01-13. Review status: criteria provided, single submitter. Criteria: ICSL Variant Classification Criteria 13 December 2019. Collection method: clinical testing. Allele origin: germline.
Comment: This variant was observed in the ICSL laboratory as part of a predisposition screen in an ostensibly healthy population. It had not been previously curated by ICSL or reported in the Human Gene Mutation Database (HGMD: prior to June 1st, 2018), and was therefore a candidate for classification through an automated scoring system. Utilizing variant allele frequency, disease prevalence and penetrance estimates, and inheritance mode, an automated score was calculated to assess if this variant is too frequent to cause the disease. Based on the score and internal cut-off values, a variant classified as benign is not then subjected to further curation. The score for this variant resulted in a classification of benign for this disease.

Clinical Genomics, Uppaluri K&H Personalized Medicine Clinic
Classification: Benign for Maturity-onset diabetes of the young. Review status: criteria provided, single submitter. Criteria: K & H Uppaluri Personalized Medicine Clinic Variant Classification & Assertion Criteria_Updated V.1. Collection method: research. Allele origin: unknown. Inheritance: Autosomal dominant inheritance.
Comment: Mutations in HNF1A gene can predispose to MODY3. It is associated with both micro and macrovascular complications of diabetes, especially cardiovascular complications. Associated with glucosuria. May respond well to sulfonylureas. However, more evidence is required to confer the association of this particular variant rs751401246 with MODY3.

Literature cited by the submitters: PubMed 31517624 (cited by Clinical Genomics, Uppaluri K&H Personalized Medicine Clinic); PubMed 35328643 (cited by Clinical Genomics, Uppaluri K&H Personalized Medicine Clinic); PubMed 32395877 (cited by Clinical Genomics, Uppaluri K&H Personalized Medicine Clinic); PubMed 35673428 (cited by Clinical Genomics, Uppaluri K&H Personalized Medicine Clinic).

NM_000545.8(HNF1A):c.*939G>A

Genes: C12orf43 (chromosome 12 open reading frame 43; minus strand), HNF1A (HNF1 homeobox A; plus strand). Cytogenetic location: 12q24.31.
Variant type: single nucleotide variant.
Coding change: c.*939G>A on transcript NM_000545.8 (MANE Select); 939 bases downstream of the stop codon, G replaced by A.
Molecular consequence: 3 prime UTR variant.
Genome position (GRCh38, 1-based): chr12:121,002,131, G>A. VCF-style: chr12-121002131-G-A. GRCh37 (hg19) VCF-style: chr12-121439934-G-A.
Other names: c.*2022C>T (NM_001286191.2, NM_001286196.2, NM_022895.3); c.*939G>A (NM_001306179.2, NM_001406915.1).
Identifiers: ClinVar variation 307472 (VCV000307472.6), dbSNP rs751401246, ClinGen allele CA6832242.